The following is an entry in ClinVar:

NM_012193.4(FZD4):c.*4664T>C

Genes: FZD4 (frizzled class receptor 4; minus strand), PRSS23 (serine protease 23; plus strand). Cytogenetic location: 11q14.2.
Variant type: single nucleotide variant.
Coding change: c.*4664T>C on transcript NM_012193.4 (MANE Select); 4664 bases downstream of the stop codon, T replaced by C.
Molecular consequence: 3 prime UTR variant.
Genome position (GRCh38, 1-based): chr11:86,946,478, A>G on the plus strand (T>C on the coding strand, the complement: FZD4 is on the minus strand). VCF-style: chr11-86946478-A-G. GRCh37 (hg19) VCF-style: chr11-86657520-A-G.
Identifiers: ClinVar variation 306335 (VCV000306335.6), dbSNP rs713065, ClinGen allele CA10639566.

ClinVar aggregate classification (germline): Benign. Review status: criteria provided, multiple submitters, no conflicts (2 of 4 stars). 2 submissions from 2 submitters: Benign (2). Last evaluated 2018-01-12.

Conditions:
Exudative vitreoretinopathy 1 (EVR1). Also called: CRISWICK-SCHEPENS SYNDROME; FEVR, AUTOSOMAL DOMINANT; Familial exudative vitreoretinopathy, autosomal dominant. Identifiers: Orphanet 891, Orphanet 90050, MedGen C1851402, MONDO:0007589, OMIM 133780.

Allele frequency attached by ClinVar (database versions not stated): 1000 Genomes Project 0.50998; 1000 Genomes Project 30x 0.51109; gnomAD exomes 0.53704; gnomAD 0.56496 and 0.56868; TOPMed 0.56514.
gnomAD v4.1: 86,133 of 152,044 alleles (57%); highest among the groups gnomAD compares: Middle Eastern, 71%; 24,803 homozygotes.

Submissions (2):

Illumina Laboratory Services, Illumina
Classification: Benign for Exudative vitreoretinopathy 1. Last evaluated: 2018-01-12. Review status: criteria provided, single submitter. Criteria: ICSL Variant Classification Criteria 13 December 2019. Collection method: clinical testing. Allele origin: germline.
Comment: This variant was observed in the ICSL laboratory as part of a predisposition screen in an ostensibly healthy population. It had not been previously curated by ICSL or reported in the Human Gene Mutation Database (HGMD: prior to June 1st, 2018), and was therefore a candidate for classification through an automated scoring system. Utilizing variant allele frequency, disease prevalence and penetrance estimates, and inheritance mode, an automated score was calculated to assess if this variant is too frequent to cause the disease. Based on the score and internal cut-off values, a variant classified as benign is not then subjected to further curation. The score for this variant resulted in a classification of benign for this disease.

Breakthrough Genomics
Classification: Benign. Review status: criteria provided, single submitter. Criteria: ACMG Guidelines, 2015. Collection method: not provided. Allele origin: germline. Inheritance: Autosomal dominant inheritance. Affected: yes.